The following is an entry in ClinVar:

NM_020778.5(ALPK3):c.3344T>C (p.Leu1115Pro)

Gene: ALPK3 (alpha kinase 3; plus strand). Cytogenetic location: 15q25.3.
Variant type: single nucleotide variant.
Coding change: c.3344T>C on transcript NM_020778.5 (MANE Select); coding-DNA position 3344, T replaced by C.
Protein change: p.Leu1115Pro; replaces leucine 1115 with proline.
Molecular consequence: missense variant.
Genome position (GRCh38, 1-based): chr15:84,858,082, T>C. VCF-style: chr15-84858082-T-C. GRCh37 (hg19) VCF-style: chr15-85401313-T-C.
Other names: p.Leu1317Pro; short protein forms L1115P.
Identifiers: ClinVar variation 2683323 (VCV002683323.4), dbSNP rs199640850, ClinGen allele CA7709604.

ClinVar aggregate classification (germline): Conflicting classifications of pathogenicity. Review status: criteria provided, conflicting classifications (1 of 4 stars). 3 submissions from 3 submitters: Uncertain significance (2); Likely benign (1). Last evaluated 2025-12-01.

Allele frequency attached by ClinVar (database versions not stated): TOPMed 0.00002; gnomAD 0.00012; ExAC 0.00018.
gnomAD v4.1: 101 of 1,567,690 alleles (0.0064%); highest among the groups gnomAD compares: Non-Finnish European, 0.00095%; no homozygotes.

Submissions (3):

Labcorp Genetics (formerly Invitae), Labcorp
Classification: Uncertain significance. Last evaluated: 2025-12-01. Review status: criteria provided, single submitter. Criteria: Invitae Variant Classification Sherloc (09022015). Collection method: clinical testing. Allele origin: germline.
Comment: This sequence change replaces leucine, which is neutral and non-polar, with proline, which is neutral and non-polar, at codon 1317 of the ALPK3 protein (p.Leu1317Pro). This variant is present in population databases (rs199640850, gnomAD 0.1%). This variant has not been reported in the literature in individuals affected with ALPK3-related conditions. ClinVar contains an entry for this variant (Variation ID: 2683323). Invitae Evidence Modeling of protein sequence and biophysical properties (such as structural, functional, and spatial information, amino acid conservation, physicochemical variation, residue mobility, and thermodynamic stability) indicates that this missense variant is not expected to disrupt ALPK3 protein function with a negative predictive value of 80%. In summary, the available evidence is currently insufficient to determine the role of this variant in disease. Therefore, it has been classified as a Variant of Uncertain Significance.

Blueprint Genetics
Classification: Likely benign. Last evaluated: 2024-09-04. Review status: criteria provided, single submitter. Criteria: ACMG Guidelines, 2015. Collection method: clinical testing. Allele origin: germline.

Mayo Clinic Laboratories, Mayo Clinic
Classification: Uncertain significance. Last evaluated: 2023-06-16. Review status: criteria provided, single submitter. Criteria: ACMG Guidelines, 2015. Collection method: clinical testing. Allele origin: germline. Observed: 1 variant allele.
Comment: BP4